The following is an entry in ClinVar:

NM_003560.4(PLA2G6):c.431C>G (p.Ala144Gly)

Gene: PLA2G6 (phospholipase A2 group VI; minus strand). Cytogenetic location: 22q13.1.
Variant type: single nucleotide variant.
Coding change: c.431C>G on transcript NM_003560.4 (MANE Select); coding-DNA position 431, C replaced by G.
Protein change: p.Ala144Gly; replaces alanine 144 with glycine.
Molecular consequence: missense variant. On other transcripts: 5 prime UTR variant (3).
Genome position (GRCh38, 1-based): chr22:38,143,283, G>C on the plus strand (C>G on the coding strand, the complement: PLA2G6 is on the minus strand). VCF-style: chr22-38143283-G-C. GRCh37 (hg19) VCF-style: chr22-38539290-G-C.
Other names: c.431C>G, p.Ala144Gly (NM_001004426.3, NM_001199562.3, NM_001349864.2 and 2 more transcripts); c.-104C>G (NM_001349867.2, NM_001349869.2); c.-60C>G (NM_001349868.2); short protein forms A144G.
Identifiers: ClinVar variation 1963308 (VCV001963308.5), dbSNP rs954750572, ClinGen allele CA324210820.
Genomic context (GRCh38, chr22:38,143,283, plus strand): 5'-TCACCCTTGCGGCAGGCCAGGTGCAGGGGTGTGCAGCCCTCCTCGTTCTCCGCGCAATTG[G>C]CACAGCTGCAGGAGAGGGCCAGGGTGAGCAGAGGTGAGCAGGTGTGGTACAAGGTGGCAG-3'
Protein context (NP_003551.2, residues 134-154): CFHHSRIISC[Ala144Gly]NCAENEEGCT

ClinVar aggregate classification (germline): Uncertain significance (1 of 4 stars; one submission).

Conditions:
Infantile neuroaxonal dystrophy (NBIA2A). Also called: NEURODEGENERATION WITH BRAIN IRON ACCUMULATION 2A; SEITELBERGER DISEASE; Infantile neuroaxonal dystrophy 1. Identifiers: Orphanet 35069, MedGen C0270724, MONDO:0024457, OMIM 256600.

Submission:

Labcorp Genetics (formerly Invitae), Labcorp
Classification: Uncertain significance for Infantile neuroaxonal dystrophy. Last evaluated: 2022-08-09. Review status: criteria provided, single submitter. Criteria: Invitae Variant Classification Sherloc (09022015). Collection method: clinical testing. Allele origin: germline.
Comment: This sequence change replaces alanine, which is neutral and non-polar, with glycine, which is neutral and non-polar, at codon 144 of the PLA2G6 protein (p.Ala144Gly). This variant is not present in population databases (gnomAD no frequency). This variant has not been reported in the literature in individuals affected with PLA2G6-related conditions. Algorithms developed to predict the effect of missense changes on protein structure and function are either unavailable or do not agree on the potential impact of this missense change (SIFT: "Deleterious"; PolyPhen-2: "Benign"; Align-GVGD: "Class C0"). In summary, the available evidence is currently insufficient to determine the role of this variant in disease. Therefore, it has been classified as a Variant of Uncertain Significance.